The following is an entry in ClinVar:

NM_000051.4(ATM):c.3955_3958dup (p.Asp1320delinsValTer)

Gene: ATM (ATM serine/threonine kinase; plus strand). Cytogenetic location: 11q22.3.
Variant type: Duplication.
Coding change: c.3955_3958dup on transcript NM_000051.4 (MANE Select); coding-DNA positions 3955 to 3958, 4 bases duplicated (TATG; older notation c.3955_3958dupTATG).
Protein change: p.Asp1320delinsValTer.
Molecular consequence: nonsense.
Genome position (GRCh38, 1-based): chr11:108,284,435-108,284,438, TATG duplicated. VCF-style (leftmost placement, unchanged base first): chr11-108284434-C-CTATG. GRCh37 (hg19) VCF-style: chr11-108155161-C-CTATG.
Other names: c.3955_3958dupTATG (NM_000051.3); c.3955_3958dup, p.Asp1320delinsValTer (NM_001351834.2).
Identifiers: ClinVar variation 653063 (VCV000653063.9), dbSNP rs1591646379, ClinGen allele CA915944406.

ClinVar aggregate classification (germline): Pathogenic. Review status: criteria provided, multiple submitters, no conflicts (2 of 4 stars). 2 submissions from 2 submitters: Pathogenic (2). Last evaluated 2024-02-29.

Conditions:
Familial cancer of breast. Also called: hereditary breast carcinoma; BREAST CANCER, FAMILIAL; Hereditary breast cancer. Identifiers: Orphanet 227535, MedGen C0346153, MONDO:0016419, OMIM 114480. Disease mechanism: loss of function.
Ataxia-telangiectasia syndrome (AT). Also called: ATAXIA-TELANGIECTASIA, FRESNO VARIANT; Ataxia-telangiectasia, complementation group E; Ataxia telangiectasia (A-T); Cerebello-oculocutaneous telangiectasia; Immunodeficiency with ataxia telangiectasia; LOUIS-BAR SYNDROME. Identifiers: Orphanet 100, MedGen C0004135, MONDO:0008840, OMIM 208900.

Submissions (2):

Fulgent Genetics
Classification: Pathogenic for Familial cancer of breast; Ataxia-telangiectasia syndrome. Last evaluated: 2024-02-29. Review status: criteria provided, single submitter. Criteria: ACMG Guidelines, 2015. Collection method: clinical testing. Allele origin: germline.

Labcorp Genetics (formerly Invitae), Labcorp
Classification: Pathogenic for Ataxia-telangiectasia syndrome. Last evaluated: 2022-08-16. Review status: criteria provided, single submitter. Criteria: Invitae Variant Classification Sherloc (09022015). Collection method: clinical testing. Allele origin: germline.
Comment: This sequence change creates a premature translational stop signal (p.Asp1320Valfs*2) in the ATM gene. It is expected to result in an absent or disrupted protein product. Loss-of-function variants in ATM are known to be pathogenic (PMID: 23807571, 25614872). This variant is not present in population databases (gnomAD no frequency). This variant has not been reported in the literature in individuals affected with ATM-related conditions. ClinVar contains an entry for this variant (Variation ID: 653063). For these reasons, this variant has been classified as Pathogenic.

Literature cited by the submitters: PubMed 23807571 (cited by Labcorp Genetics (formerly Invitae), Labcorp); PubMed 25614872 (cited by Labcorp Genetics (formerly Invitae), Labcorp).